The following is an entry in ClinVar:

ClinVar aggregate classification (germline): Uncertain significance (1 of 4 stars; one submission).

Conditions:
Inborn genetic diseases. Identifiers: MedGen C0950123, MeSH D030342.

gnomAD v4.1: 2 of 1,613,996 alleles (0.00012%); highest among the groups gnomAD compares: Non-Finnish European, 0.00017%; no homozygotes.

Submission:

Ambry Genetics
Classification: Uncertain significance for Inborn genetic diseases. Last evaluated: 2025-05-21. Review status: criteria provided, single submitter. Criteria: Ambry Variant Classification Scheme 2023. Collection method: clinical testing. Allele origin: germline.
Comment: The p.L47V variant (also known as c.139C>G), located in coding exon 1 of the ANKRD26 gene, results from a C to G substitution at nucleotide position 139. The leucine at codon 47 is replaced by valine, an amino acid with highly similar properties. This amino acid position is conserved. In addition, this alteration is predicted to be tolerated by in silico analysis. Based on the available evidence, the clinical significance of this variant remains unclear.

NM_014915.3(ANKRD26):c.139C>G (p.Leu47Val)

Genes: ANKRD26 (ankyrin repeat domain containing 26; minus strand), LOC130003554 (ATAC-STARR-seq lymphoblastoid silent region 2243; plus strand). Cytogenetic location: 10p12.1.
Variant type: single nucleotide variant.
Coding change: c.139C>G on transcript NM_014915.3 (MANE Select); coding-DNA position 139, C replaced by G.
Protein change: p.Leu47Val; replaces leucine 47 with valine.
Molecular consequence: missense variant.
Genome position (GRCh38, 1-based): chr10:27,100,188, G>C on the plus strand (C>G on the coding strand, the complement: ANKRD26 is on the minus strand). VCF-style: chr10-27100188-G-C. GRCh37 (hg19) VCF-style: chr10-27389117-G-C.
Other names: c.139C>G, p.Leu47Val (NM_001256053.2); short protein forms L47V.
Identifiers: ClinVar variation 3914680 (VCV003914680.1).